The following is an entry in ClinVar:

NM_000152.5(GAA):c.1042_1043del (p.Lys348fs)

Gene: GAA (alpha glucosidase; plus strand). Cytogenetic location: 17q25.3.
Variant type: Deletion.
Coding change: c.1042_1043del on transcript NM_000152.5 (MANE Select); coding-DNA positions 1042 to 1043, 2 bases deleted (AA; older notation c.1042_1043delAA).
Protein change: p.Lys348fs; shifts the reading frame from lysine 348.
Molecular consequence: frameshift variant.
Genome position (GRCh38, 1-based): chr17:80,108,376-80,108,377, AA deleted. VCF-style (leftmost placement, unchanged base first): chr17-80108375-CAA-C. GRCh37 (hg19) VCF-style: chr17-78082174-CAA-C.
Other names: c.1042_1043del, p.Lys348fs (NM_001079803.3, NM_001079804.3, NM_001406741.1 and 1 more transcripts); short protein forms K348fs.
Identifiers: ClinVar variation 5014966 (VCV005014966.1).

ClinVar aggregate classification (germline): Pathogenic (1 of 4 stars; one submission).

Conditions:
Glycogen storage disease, type II (IOPD). Also called: CARDIOMEGALIA GLYCOGENICA DIFFUSA; GLYCOGENOSIS, GENERALIZED, CARDIAC FORM; GSD II; Glycogen storage disease type 2; Acid maltase deficiency disease; Aglucosidase alfa. Identifiers: Orphanet 365, MedGen C0017921, MONDO:0009290, OMIM 232300.

Submission:

Myriad Genetics, Inc.
Classification: Pathogenic for Glycogen storage disease, type II. Last evaluated: 2025-09-11. Review status: criteria provided, single submitter. Criteria: Myriad Autosomal Dominant, Autosomal Recessive and X-Linked Classification Criteria (2023). Collection method: clinical testing. Allele origin: unknown.
Comment: NM_000152.3(GAA):c.1042_1043delAA(K348Efs*157) is expected to be pathogenic in the context of Pompe disease. This variant is predicted to lead to an abnormal or absent protein product due to the creation of a premature termination codon in GAA, a gene where loss-of-function variants are known to be pathogenic. Please note: this variant was assessed in the context of healthy population screening.